The following is an entry in ClinVar:

NM_017841.4(SDHAF2):c.170A>G (p.Glu57Gly)

Gene: SDHAF2 (succinate dehydrogenase complex assembly factor 2; plus strand). Cytogenetic location: 11q12.2.
Variant type: single nucleotide variant.
Coding change: c.170A>G on transcript NM_017841.4 (MANE Select); coding-DNA position 170, A replaced by G.
Protein change: p.Glu57Gly; replaces glutamic acid 57 with glycine.
Molecular consequence: missense variant.
Genome position (GRCh38, 1-based): chr11:61,437,758, A>G. VCF-style: chr11-61437758-A-G. GRCh37 (hg19) VCF-style: chr11-61205230-A-G.
Other names: c.170A>G (NM_017841.2); short protein forms E57G.
Identifiers: ClinVar variation 1378434 (VCV001378434.7), dbSNP rs2134892353, ClinGen allele CA380683447.

ClinVar aggregate classification (germline): Uncertain significance. Review status: criteria provided, multiple submitters, no conflicts (2 of 4 stars). 2 submissions from 2 submitters: Uncertain significance (2). Last evaluated 2026-04-27.

Conditions:
Hereditary cancer-predisposing syndrome. Also called: Neoplastic Syndromes, Hereditary; Tumor predisposition; Hereditary Cancer Syndrome; Hereditary neoplastic syndrome. Identifiers: Orphanet 140162, MedGen C0027672, MeSH D009386, MONDO:0015356.
Hereditary pheochromocytoma and paraganglioma. Also called: Hereditary paragangliomas and pheochromocytomas; Hereditary pheochromocytoma-paraganglioma; Hereditary Paraganglioma-Pheochromocytoma Syndromes. Identifiers: Orphanet 29072, MedGen C4274332, MONDO:0017366.

Submissions (2):

Ambry Genetics
Classification: Uncertain significance for Hereditary cancer-predisposing syndrome. Last evaluated: 2026-04-27. Review status: criteria provided, single submitter. Criteria: Ambry Variant Classification Scheme 2023. Collection method: clinical testing. Allele origin: germline.
Comment: The p.E57G variant (also known as c.170A>G), located in coding exon 2 of the SDHAF2 gene, results from an A to G substitution at nucleotide position 170. The glutamic acid at codon 57 is replaced by glycine, an amino acid with similar properties. This amino acid position is conserved. In addition, the in silico prediction for this alteration is inconclusive. Based on the available evidence, the clinical significance of this variant remains unclear.

Labcorp Genetics (formerly Invitae), Labcorp
Classification: Uncertain significance for Hereditary pheochromocytoma and paraganglioma. Last evaluated: 2021-09-20. Review status: criteria provided, single submitter. Criteria: Invitae Variant Classification Sherloc (09022015). Collection method: clinical testing. Allele origin: germline.
Comment: This sequence change replaces glutamic acid with glycine at codon 57 of the SDHAF2 protein (p.Glu57Gly). The glutamic acid residue is highly conserved and there is a moderate physicochemical difference between glutamic acid and glycine. This variant is not present in population databases (ExAC no frequency). This variant has not been reported in the literature in individuals affected with SDHAF2-related conditions. Algorithms developed to predict the effect of missense changes on protein structure and function are either unavailable or do not agree on the potential impact of this missense change (SIFT: "Deleterious"; PolyPhen-2: "Probably Damaging"; Align-GVGD: "Class C0"). In summary, the available evidence is currently insufficient to determine the role of this variant in disease. Therefore, it has been classified as a Variant of Uncertain Significance.